The following is an entry in ClinVar:

ClinVar aggregate classification (germline): Uncertain significance (1 of 4 stars; one submission).

Conditions:
Epilepsy, idiopathic generalized, susceptibility to, 13. Also called: EPILEPSY, JUVENILE MYOCLONIC, SUSCEPTIBILITY TO, 5. Identifiers: Orphanet 307, Orphanet 64280, MedGen C4013473, MONDO:0012627, OMIM 611136.
Idiopathic generalized epilepsy. Also called: Generalised epilepsy; EIG. Identifiers: MedGen C0270850, MONDO:0005579, OMIM 600669.
Epilepsy, childhood absence 4 (ECA4). Also called: EPILEPSY, CHILDHOOD ABSENCE, SUSCEPTIBILITY TO, 4. Identifiers: Orphanet 307, MedGen C1970160.

Submission:

Labcorp Genetics (formerly Invitae), Labcorp
Classification: Uncertain significance for Epilepsy, childhood absence 4; Epilepsy, idiopathic generalized, susceptibility to, 13; Idiopathic generalized epilepsy. Last evaluated: 2021-02-20. Review status: criteria provided, single submitter. Criteria: Invitae Variant Classification Sherloc (09022015). Collection method: clinical testing. Allele origin: germline.
Comment: In summary, the available evidence is currently insufficient to determine the role of this variant in disease. Therefore, it has been classified as a Variant of Uncertain Significance. Algorithms developed to predict the effect of missense changes on protein structure and function (SIFT, PolyPhen-2, Align-GVGD) all suggest that this variant is likely to be disruptive, but these predictions have not been confirmed by published functional studies and their clinical significance is uncertain. This variant has not been reported in the literature in individuals with GABRA1-related conditions. This variant is not present in population databases (ExAC no frequency). This sequence change replaces valine with phenylalanine at codon 207 of the GABRA1 protein (p.Val207Phe). The valine residue is highly conserved and there is a small physicochemical difference between valine and phenylalanine.

NM_001127644.2(GABRA1):c.619G>T (p.Val207Phe)

Gene: GABRA1 (gamma-aminobutyric acid type A receptor subunit alpha1; plus strand). Cytogenetic location: 5q34.
Variant type: single nucleotide variant.
Coding change: c.619G>T on transcript NM_001127644.2 (MANE Select); coding-DNA position 619, G replaced by T.
Protein change: p.Val207Phe; replaces valine 207 with phenylalanine.
Molecular consequence: missense variant.
Genome position (GRCh38, 1-based): chr5:161,882,617, G>T. VCF-style: chr5-161882617-G-T. GRCh37 (hg19) VCF-style: chr5-161309623-G-T.
Other names: c.619G>T, p.Val207Phe (NM_000806.5, NM_001127643.2, NM_001127645.2 and 1 more transcripts); short protein forms V207F.
Identifiers: ClinVar variation 1482697 (VCV001482697.8), dbSNP rs2113414552, ClinGen allele CA362179519.
Genomic context (GRCh38, chr5:161,882,617, plus strand): 5'-GATGCTTATACAAGAGCAGAAGTTGTTTATGAATGGACCAGAGAGCCAGCACGCTCAGTG[G>T]TTGTAGCAGAAGATGGATCACGTCTAAACCAGTATGACCTTCTTGGACAAACAGTAGACT-3'
Protein context (NP_001121116.1, residues 197-217): EWTREPARSV[Val207Phe]VAEDGSRLNQ